The following is an entry in ClinVar:

ClinVar aggregate classification (germline): Uncertain significance. Review status: criteria provided, multiple submitters, no conflicts (2 of 4 stars). 2 submissions from 2 submitters: Uncertain significance (2). Last evaluated 2023-03-05.

Conditions:
Pancreatic adenocarcinoma. Identifiers: MedGen C0281361, MONDO:0006047, HP:0006725.

Allele frequency attached by ClinVar (database versions not stated): TOPMed 0.00001; gnomAD exomes below 0.00001.
gnomAD v4.1: 1 of 1,613,366 alleles (0.000062%); highest among the groups gnomAD compares: South Asian, 0.0011%; no homozygotes.

Submissions (2):

Ambry Genetics
Classification: Uncertain significance. Last evaluated: 2023-03-05. Review status: criteria provided, single submitter. Criteria: Ambry Variant Classification Scheme 2023. Collection method: clinical testing. Allele origin: germline.
Comment: The p.G875S variant (also known as c.2623G>A), located in coding exon 14 of the PALLD gene, results from a G to A substitution at nucleotide position 2623. The glycine at codon 875 is replaced by serine, an amino acid with similar properties. This amino acid position is conserved. In addition, the in silico prediction for this alteration is inconclusive. Since supporting evidence is limited at this time, the clinical significance of this alteration remains unclear.

Labcorp Genetics (formerly Invitae), Labcorp
Classification: Uncertain significance for Pancreatic adenocarcinoma. Last evaluated: 2019-07-02. Review status: criteria provided, single submitter. Criteria: Invitae Variant Classification Sherloc (09022015). Collection method: clinical testing. Allele origin: germline.
Comment: This sequence change replaces glycine with serine at codon 388 of the PALLD protein (p.Gly388Ser). The glycine residue is highly conserved and there is a small physicochemical difference between glycine and serine. This variant is not present in population databases (ExAC no frequency). This variant has not been reported in the literature in individuals with PALLD-related conditions. Algorithms developed to predict the effect of missense changes on protein structure and function are either unavailable or do not agree on the potential impact of this missense change (SIFT: "Deleterious"; PolyPhen-2: "Benign"; Align-GVGD: "Class C55"). In summary, the available evidence is currently insufficient to determine the role of this variant in disease. Therefore, it has been classified as a Variant of Uncertain Significance.

NM_001166108.2(PALLD):c.2674G>A (p.Gly892Ser)

Genes: CBR4 (carbonyl reductase 4; minus strand), PALLD (palladin, cytoskeletal associated protein; plus strand). Cytogenetic location: 4q32.3.
Variant type: single nucleotide variant.
Coding change: c.2674G>A on transcript NM_001166108.2 (MANE Select); coding-DNA position 2674, G replaced by A.
Protein change: p.Gly892Ser; replaces glycine 892 with serine.
Molecular consequence: missense variant.
Genome position (GRCh38, 1-based): chr4:168,913,978, G>A. VCF-style: chr4-168913978-G-A. GRCh37 (hg19) VCF-style: chr4-169835129-G-A.
Other names: c.1477G>A, p.Gly493Ser (NM_001166109.2); c.1162G>A, p.Gly388Ser (NM_001166110.2); c.502G>A, p.Gly168Ser (NM_001367567.1, NM_001367569.1); c.553G>A, p.Gly185Ser (NM_001367568.1, NM_001367570.1); c.2623G>A, p.Gly875Ser (NM_016081.4); c.2623G>A (NM_016081.3); short protein forms G185S, G493S, G875S, G168S, G388S, G892S.
Identifiers: ClinVar variation 953799 (VCV000953799.11), dbSNP rs1190472798, ClinGen allele CA358705136.
Genomic context (GRCh38, chr4:168,913,978, plus strand): 5'-TTTCTACAGGGCCGCATCAGTTGTACTGGACGGCTAATGGTACAGGCTGTCAACCAAAGA[G>A]GTCGAAGTCCCCGGTCTCCCTCAGGCCATCCTCATGTCAGAAGGTATTTAACATGTTCCT-3'
Protein context (NP_001159580.1, residues 882-902): RLMVQAVNQR[Gly892Ser]RSPRSPSGHP